The following is an entry in ClinVar:

NM_002273.4(KRT8):c.-10T>A

Gene: KRT8 (keratin 8; minus strand). Cytogenetic location: 12q13.13.
Variant type: single nucleotide variant.
Coding change: c.-10T>A on transcript NM_002273.4 (MANE Select); 10 bases upstream of the start codon, T replaced by A.
Molecular consequence: 5 prime UTR variant. On other transcripts: synonymous variant (1), non-coding transcript variant (1).
Genome position (GRCh38, 1-based): chr12:52,904,991, A>T on the plus strand (T>A on the coding strand, the complement: KRT8 is on the minus strand). VCF-style: chr12-52904991-A-T. GRCh37 (hg19) VCF-style: chr12-53298775-A-T.
Other names: NC_000012.11:g.53298775A>T; c.75T>A, p.Pro25= (NM_001256282.2); c.-10T>A (NM_001256293.2).
Identifiers: ClinVar variation 3057189 (VCV003057189.3), dbSNP rs13098, ClinGen allele CA6590647.

ClinVar aggregate classification (germline): Benign (0 of 4 stars; one submission).

Conditions:
KRT8-related disorder. Also called: KRT8-related condition.

Allele frequency attached by ClinVar (database versions not stated): TOPMed 0.07299; ESP Exome Variant Server 0.07597; gnomAD exomes 0.10498; ExAC 0.12028; gnomAD 0.08193; 1000 Genomes Project 0.04213; 1000 Genomes Project 30x 0.04388.
gnomAD v4.1: 164,019 of 1,602,140 alleles (10%); highest among the groups gnomAD compares: Non-Finnish European, 12%; 9,264 homozygotes.

Submissions (25):

PreventionGenetics, part of Exact Sciences
Classification: Benign for KRT8-related condition. Last evaluated: 2019-11-12. Review status: no assertion criteria provided. Collection method: clinical testing. Allele origin: germline.
Comment: This variant is classified as benign based on ACMG/AMP sequence variant interpretation guidelines (Richards et al. 2015 PMID: 25741868, with internal and published modifications).

Dr. Peter K. Rogan Lab, Western University
No classification provided (evidence only). Condition: Hepatocellular carcinoma. Review status: no classification provided. Collection method: in vitro. Allele origin: not applicable. Functional consequence: retained intron. Not counted in ClinVar's aggregate classification.

Dr. Peter K. Rogan Lab, Western University
No classification provided (evidence only). Condition: Hepatocellular carcinoma. Review status: no classification provided. Collection method: in vitro. Allele origin: not applicable. Functional consequence: retained intron. Not counted in ClinVar's aggregate classification.

Dr. Peter K. Rogan Lab, Western University
No classification provided (evidence only). Condition: Hepatocellular carcinoma. Review status: no classification provided. Collection method: in vitro. Allele origin: not applicable. Functional consequence: retained intron. Not counted in ClinVar's aggregate classification.

Dr. Peter K. Rogan Lab, Western University
No classification provided (evidence only). Condition: Hepatocellular carcinoma. Review status: no classification provided. Collection method: in vitro. Allele origin: not applicable. Functional consequence: retained intron. Not counted in ClinVar's aggregate classification.

Dr. Peter K. Rogan Lab, Western University
No classification provided (evidence only). Condition: Hepatocellular carcinoma. Review status: no classification provided. Collection method: in vitro. Allele origin: not applicable. Functional consequence: retained intron. Not counted in ClinVar's aggregate classification.

Dr. Peter K. Rogan Lab, Western University
No classification provided (evidence only). Condition: Hepatocellular carcinoma. Review status: no classification provided. Collection method: in vitro. Allele origin: not applicable. Functional consequence: retained intron. Not counted in ClinVar's aggregate classification.

Dr. Peter K. Rogan Lab, Western University
No classification provided (evidence only). Condition: Hepatocellular carcinoma. Review status: no classification provided. Collection method: in vitro. Allele origin: not applicable. Functional consequence: retained intron. Not counted in ClinVar's aggregate classification.

Dr. Peter K. Rogan Lab, Western University
No classification provided (evidence only). Condition: Hepatocellular carcinoma. Review status: no classification provided. Collection method: in vitro. Allele origin: not applicable. Functional consequence: retained intron. Not counted in ClinVar's aggregate classification.

Dr. Peter K. Rogan Lab, Western University
No classification provided (evidence only). Condition: Hepatocellular carcinoma. Review status: no classification provided. Collection method: in vitro. Allele origin: not applicable. Functional consequence: retained intron. Not counted in ClinVar's aggregate classification.

Dr. Peter K. Rogan Lab, Western University
No classification provided (evidence only). Condition: Hepatocellular carcinoma. Review status: no classification provided. Collection method: in vitro. Allele origin: not applicable. Functional consequence: retained intron. Not counted in ClinVar's aggregate classification.

Dr. Peter K. Rogan Lab, Western University
No classification provided (evidence only). Condition: Hepatocellular carcinoma. Review status: no classification provided. Collection method: in vitro. Allele origin: not applicable. Functional consequence: retained intron. Not counted in ClinVar's aggregate classification.

Dr. Peter K. Rogan Lab, Western University
No classification provided (evidence only). Condition: Hepatocellular carcinoma. Review status: no classification provided. Collection method: in vitro. Allele origin: not applicable. Functional consequence: retained intron. Not counted in ClinVar's aggregate classification.

Dr. Peter K. Rogan Lab, Western University
No classification provided (evidence only). Condition: Hepatocellular carcinoma. Review status: no classification provided. Collection method: in vitro. Allele origin: not applicable. Functional consequence: retained intron. Not counted in ClinVar's aggregate classification.

Dr. Peter K. Rogan Lab, Western University
No classification provided (evidence only). Condition: Hepatocellular carcinoma. Review status: no classification provided. Collection method: in vitro. Allele origin: not applicable. Functional consequence: retained intron. Not counted in ClinVar's aggregate classification.

Dr. Peter K. Rogan Lab, Western University
No classification provided (evidence only). Condition: Hepatocellular carcinoma. Review status: no classification provided. Collection method: in vitro. Allele origin: not applicable. Functional consequence: retained intron. Not counted in ClinVar's aggregate classification.

Dr. Peter K. Rogan Lab, Western University
No classification provided (evidence only). Condition: Hepatocellular carcinoma. Review status: no classification provided. Collection method: in vitro. Allele origin: not applicable. Functional consequence: retained intron. Not counted in ClinVar's aggregate classification.

Dr. Peter K. Rogan Lab, Western University
No classification provided (evidence only). Condition: Hepatocellular carcinoma. Review status: no classification provided. Collection method: in vitro. Allele origin: not applicable. Functional consequence: retained intron. Not counted in ClinVar's aggregate classification.

Dr. Peter K. Rogan Lab, Western University
No classification provided (evidence only). Condition: Cholangiocarcinoma. Review status: no classification provided. Collection method: in vitro. Allele origin: not applicable. Functional consequence: retained intron. Not counted in ClinVar's aggregate classification.

Dr. Peter K. Rogan Lab, Western University
No classification provided (evidence only). Condition: Cholangiocarcinoma. Review status: no classification provided. Collection method: in vitro. Allele origin: not applicable. Functional consequence: retained intron. Not counted in ClinVar's aggregate classification.

Dr. Peter K. Rogan Lab, Western University
No classification provided (evidence only). Condition: Cholangiocarcinoma. Review status: no classification provided. Collection method: in vitro. Allele origin: not applicable. Functional consequence: retained intron. Not counted in ClinVar's aggregate classification.

Dr. Peter K. Rogan Lab, Western University
No classification provided (evidence only). Condition: Cholangiocarcinoma. Review status: no classification provided. Collection method: in vitro. Allele origin: not applicable. Functional consequence: retained intron. Not counted in ClinVar's aggregate classification.

Dr. Peter K. Rogan Lab, Western University
No classification provided (evidence only). Condition: Cholangiocarcinoma. Review status: no classification provided. Collection method: in vitro. Allele origin: not applicable. Functional consequence: retained intron. Not counted in ClinVar's aggregate classification.

Dr. Peter K. Rogan Lab, Western University
No classification provided (evidence only). Condition: Uterine carcinosarcoma. Review status: no classification provided. Collection method: in vitro. Allele origin: not applicable. Functional consequence: retained intron. Not counted in ClinVar's aggregate classification.

Dr. Peter K. Rogan Lab, Western University
No classification provided (evidence only). Condition: Uterine carcinosarcoma. Review status: no classification provided. Collection method: in vitro. Allele origin: not applicable. Functional consequence: retained intron. Not counted in ClinVar's aggregate classification.